The following is an entry in ClinVar:

NM_198525.3(KIF7):c.2958C>T (p.Ser986=)

Gene: KIF7 (kinesin family member 7; minus strand). Cytogenetic location: 15q26.1.
Variant type: single nucleotide variant.
Coding change: c.2958C>T on transcript NM_198525.3 (MANE Select); coding-DNA position 2958, C replaced by T.
Protein change: p.Ser986=; no amino-acid change (serine 986 retained).
Molecular consequence: synonymous variant.
Genome position (GRCh38, 1-based): chr15:89,631,648, G>A on the plus strand (C>T on the coding strand, the complement: KIF7 is on the minus strand). VCF-style: chr15-89631648-G-A. GRCh37 (hg19) VCF-style: chr15-90174879-G-A.
Identifiers: ClinVar variation 387206 (VCV000387206.9), dbSNP rs559548657, ClinGen allele CA7727873.

ClinVar aggregate classification (germline): Likely benign. Review status: criteria provided, multiple submitters, no conflicts (2 of 4 stars). 3 submissions from 3 submitters: Likely benign (3). Last evaluated 2024-10-23.

Conditions:
Acrocallosal syndrome (ACLS). Also called: HALLUX DUPLICATION, POSTAXIAL POLYDACTYLY, AND ABSENCE OF CORPUS CALLOSUM; Schinzel syndrome 1; Absence of corpus callosum with unusual facial appearance, mental deficiency, duplication of the halluces and polydactyly. Identifiers: Orphanet 36, MedGen C0796147, MONDO:0008708, OMIM 200990.

Allele frequency attached by ClinVar (database versions not stated): gnomAD 0.00004 and 0.00005; TOPMed 0.00005; gnomAD exomes 0.00008; ExAC 0.00032.
gnomAD v4.1: 64 of 1,562,556 alleles (0.0041%); highest among the groups gnomAD compares: South Asian, 0.049%; no homozygotes.

Submissions (3):

Blueprint Genetics
Classification: Likely benign. Last evaluated: 2024-10-23. Review status: criteria provided, single submitter. Criteria: ACMG Guidelines, 2015. Collection method: clinical testing. Allele origin: germline.

Labcorp Genetics (formerly Invitae), Labcorp
Classification: Likely benign for Acrocallosal syndrome. Last evaluated: 2024-03-11. Review status: criteria provided, single submitter. Criteria: Invitae Variant Classification Sherloc (09022015). Collection method: clinical testing. Allele origin: germline.

GeneDx
Classification: Likely benign. Last evaluated: 2016-06-30. Review status: criteria provided, single submitter. Criteria: GeneDx Variant Classification (06012015). Collection method: clinical testing. Allele origin: germline. Affected: yes.
Comment: This variant is considered likely benign or benign based on one or more of the following criteria: it is a conservative change, it occurs at a poorly conserved position in the protein, it is predicted to be benign by multiple in silico algorithms, and/or has population frequency not consistent with disease.